The following is an entry in ClinVar:

NM_032043.3(BRIP1):c.912G>A (p.Gly304=)

Gene: BRIP1 (BRCA1 interacting DNA helicase 1; minus strand). Cytogenetic location: 17q23.2.
Variant type: single nucleotide variant.
Coding change: c.912G>A on transcript NM_032043.3 (MANE Select); coding-DNA position 912, G replaced by A.
Protein change: p.Gly304=; no amino-acid change (glycine 304 retained).
Molecular consequence: synonymous variant.
Genome position (GRCh38, 1-based): chr17:61,808,473, C>T on the plus strand (G>A on the coding strand, the complement: BRIP1 is on the minus strand). VCF-style: chr17-61808473-C-T. GRCh37 (hg19) VCF-style: chr17-59885834-C-T.
Identifiers: ClinVar variation 184195 (VCV000184195.15), dbSNP rs786201326, ClinGen allele CA188170.

ClinVar aggregate classification (germline): Benign/Likely benign. Review status: criteria provided, multiple submitters, no conflicts (2 of 4 stars). 3 submissions from 3 submitters: Benign (1); Likely benign (2). Last evaluated 2025-10-19.

Conditions:
Hereditary cancer-predisposing syndrome. Also called: Tumor predisposition; Hereditary Cancer Syndrome; Hereditary neoplastic syndrome; Neoplastic Syndromes, Hereditary. Identifiers: Orphanet 140162, MedGen C0027672, MeSH D009386, MONDO:0015356.
Familial cancer of breast. Also called: BREAST CANCER, FAMILIAL; hereditary breast carcinoma; Hereditary breast cancer. Identifiers: Orphanet 227535, MedGen C0346153, MONDO:0016419, OMIM 114480. Disease mechanism: loss of function.
Fanconi anemia complementation group J. Also called: BRIP1-Related Fanconi Anemia. Identifiers: Orphanet 84, MedGen C1836860, MONDO:0012187, OMIM 609054.

Allele frequency attached by ClinVar (database versions not stated): gnomAD exomes below 0.00001.
gnomAD v4.1: 3 of 1,612,718 alleles (0.00019%); highest among the groups gnomAD compares: Non-Finnish European, 0.00025%; no homozygotes.

Submissions (3):

Labcorp Genetics (formerly Invitae), Labcorp
Classification: Likely benign for Familial cancer of breast; Fanconi anemia complementation group J. Last evaluated: 2025-10-19. Review status: criteria provided, single submitter. Criteria: Invitae Variant Classification Sherloc (09022015). Collection method: clinical testing. Allele origin: germline.

Ambry Genetics
Classification: Likely benign for Hereditary cancer-predisposing syndrome. Last evaluated: 2024-11-20. Review status: criteria provided, single submitter. Criteria: Ambry Variant Classification Scheme 2023. Collection method: clinical testing. Allele origin: germline.

Myriad Genetics, Inc.
Classification: Benign for Familial cancer of breast. Last evaluated: 2024-08-22. Review status: criteria provided, single submitter. Criteria: Myriad Autosomal Dominant, Autosomal Recessive and X-Linked Classification Criteria (2023). Collection method: clinical testing. Allele origin: unknown.
Comment: This variant is considered benign. This variant is a silent/synonymous amino acid change and it is not expected to impact splicing.